The following is an entry in ClinVar:

NM_001018005.2(TPM1):c.240+4887G>C

Genes: TPM1 (tropomyosin 1; plus strand), TPM1-AS (TPM1 antisense RNA; minus strand). Cytogenetic location: 15q22.2.
Variant type: single nucleotide variant.
Coding change: c.240+4887G>C on transcript NM_001018005.2 (MANE Select); 4887 bases into the intron after coding-DNA position 240, G replaced by C.
Molecular consequence: intron variant. On other transcripts: non-coding transcript variant (1).
Genome position (GRCh38, 1-based): chr15:63,049,039, G>C. VCF-style: chr15-63049039-G-C. GRCh37 (hg19) VCF-style: chr15-63341238-G-C.
Other names: c.366+4887G>C (NM_001365778.1); c.240+5208G>C (NM_001018020.2, NM_001018007.2, NM_001301244.2); c.240+4887G>C (NM_001018006.2, NM_001365776.1, NM_001018004.2 and 3 more transcripts); c.132+332G>C (NM_001330351.2, NM_001330344.2, NM_001018008.2 and 5 more transcripts).
Identifiers: ClinVar variation 668768 (VCV000668768.2), dbSNP rs66793829, ClinGen allele CA14133907.

ClinVar aggregate classification (germline): Benign. Review status: criteria provided, multiple submitters, no conflicts (2 of 4 stars). 2 submissions from 2 submitters: Benign (2). Last evaluated 2018-06-18.

Allele frequency attached by ClinVar (database versions not stated): 1000 Genomes Project 0.11821; 1000 Genomes Project 30x 0.11914; TOPMed 0.15835; gnomAD exomes 0.16258; gnomAD 0.16357 and 0.16803.
gnomAD v4.1: 55,084 of 336,888 alleles (16%); highest among the groups gnomAD compares: Middle Eastern, 27%; 4,816 homozygotes.

Submissions (2):

GeneDx
Classification: Benign. Last evaluated: 2018-06-18. Review status: criteria provided, single submitter. Criteria: GeneDx Variant Classification (06012015). Collection method: clinical testing. Allele origin: germline. Affected: yes.
Comment: This variant is considered likely benign or benign based on one or more of the following criteria: it is a conservative change, it occurs at a poorly conserved position in the protein, it is predicted to be benign by multiple in silico algorithms, and/or has population frequency not consistent with disease.

Breakthrough Genomics
Classification: Benign. Review status: criteria provided, single submitter. Criteria: ACMG Guidelines, 2015. Collection method: not provided. Allele origin: germline. Inheritance: Autosomal dominant inheritance. Affected: yes.